The following is an entry in ClinVar:

ClinVar aggregate classification (germline): Benign/Likely benign. Review status: criteria provided, multiple submitters, no conflicts (2 of 4 stars). 3 submissions from 3 submitters: Benign (2); Likely benign (1). Last evaluated 2023-11-01.

gnomAD v4.1: 400 of 1,533,054 alleles (0.026%); highest among the groups gnomAD compares: Admixed American, 0.046%; 76 homozygotes.

Submissions (3):

CeGaT Center for Human Genetics Tuebingen
Classification: Likely benign. Last evaluated: 2023-11-01. Review status: criteria provided, single submitter. Criteria: CeGaT Center For Human Genetics Tuebingen Variant Classification Criteria Version 2. Collection method: clinical testing. Allele origin: germline. Affected: yes. Observed: 1 variant allele.
Comment: CFHR3: BP4, BP7, BS2; ENSG00000289697: BS2

Labcorp Genetics (formerly Invitae), Labcorp
Classification: Benign. Last evaluated: 2018-07-21. Review status: criteria provided, single submitter. Criteria: Invitae Variant Classification Sherloc (09022015). Collection method: clinical testing. Allele origin: germline.

Breakthrough Genomics
Classification: Benign. Review status: criteria provided, single submitter. Criteria: ACMG Guidelines, 2015. Collection method: not provided. Allele origin: germline. Inheritance: Autosomal recessive inheritance. Affected: yes.

NM_021023.6(CFHR3):c.354C>T (p.Tyr118=)

Gene: CFHR3 (complement factor H related 3; plus strand). Cytogenetic location: 1q31.3.
Variant type: single nucleotide variant.
Coding change: c.354C>T on transcript NM_021023.6 (MANE Select); coding-DNA position 354, C replaced by T.
Protein change: p.Tyr118=; no amino-acid change (tyrosine 118 retained).
Molecular consequence: synonymous variant.
Genome position (GRCh38, 1-based): chr1:196,779,897, C>T. VCF-style: chr1-196779897-C-T. GRCh37 (hg19) VCF-style: chr1-196749027-C-T.
Other names: c.354C>T, p.Tyr118= (NM_001166624.2).
Identifiers: ClinVar variation 761758 (VCV000761758.26), dbSNP rs144398879, ClinGen allele CA1306119.